The following is an entry in ClinVar:

ClinVar aggregate classification (germline): Pathogenic/Likely pathogenic. Review status: criteria provided, multiple submitters, no conflicts (2 of 4 stars). 22 submissions from 22 submitters: Pathogenic (15); Likely pathogenic (3). 4 of the submissions do not count toward it. Last evaluated 2025-12-24.

Conditions:
MYH7-related disorder. Also called: MYH7-related condition; MYH7-related disease; MYH7-related disorders.
Hypertrophic cardiomyopathy 1 (CMH1). Also called: Familial hypertrophic cardiomyopathy 1; MYH7-Related Familial Hypertrophic Cardiomyopathy. Identifiers: MedGen C3495498, MONDO:0008647, OMIM 192600.
Myopathy, myosin storage, autosomal recessive (CMYO7B). Also called: CONGENITAL MYOPATHY 7B, MYOSIN STORAGE, AUTOSOMAL RECESSIVE. Identifiers: Orphanet 636970, MedGen C1850709, MONDO:0009708, OMIM 255160.
Myosin storage myopathy (CMYO7A). Also called: MYOPATHY WITH LYSIS OF TYPE I MYOFIBRILS; MYOPATHY, HYALINE BODY, AUTOSOMAL DOMINANT; SCAPULOPERONEAL MUSCULAR DYSTROPHY; SCAPULOPERONEAL SYNDROME, MYOPATHIC TYPE; MYH7-related late-onset scapuloperoneal muscular dystrophy; Congenital myopathy 7A, myosin storage, autosomal dominant. Identifiers: Orphanet 437572, Orphanet 636965, MedGen C1842160, MONDO:0008409, OMIM 608358.
Dilated cardiomyopathy 1S (CMD1S). Identifiers: Orphanet 154, Orphanet 54260, MedGen C1834481, MONDO:0013262, OMIM 613426.
MYH7-related skeletal myopathy. Also called: Myopathy, distal, 1; Laing distal myopathy; MYOPATHY, DISTAL, EARLY-ONSET, AUTOSOMAL DOMINANT; MYOPATHY, LATE DISTAL HEREDITARY; Laing early-onset distal myopathy. Identifiers: Orphanet 59135, MedGen C4552004, MONDO:0008050, OMIM 160500.
Cardiovascular phenotype. Identifiers: MedGen CN230736.
Cardiomyopathy (CMYO). Also called: Cardiomyopathies. Identifiers: Orphanet 167848, MedGen C0878544, MONDO:0004994, HP:0001638. Inheritance: Various modes of inheritance.
Primary familial hypertrophic cardiomyopathy (HCM). Identifiers: Orphanet 99739, MedGen C0949658, MeSH D024741, MONDO:0024573. Inheritance: Various modes of inheritance.
Hypertrophic cardiomyopathy. Also called: HYPERTROPHIC MYOCARDIOPATHY. Identifiers: Orphanet 217569, MedGen C0007194, MeSH D002312, MONDO:0005045, HP:0001639.

Allele frequency attached by ClinVar (database versions not stated): gnomAD exomes below 0.00001.
gnomAD v4.1: 3 of 1,614,012 alleles (0.00019%); highest among the groups gnomAD compares: East Asian, 0.0022%; no homozygotes.

Submissions 1 to 7 of 22:

Labcorp Genetics (formerly Invitae), Labcorp
Classification: Pathogenic for Hypertrophic cardiomyopathy. Last evaluated: 2025-12-24. Review status: criteria provided, single submitter. Criteria: Invitae Variant Classification Sherloc (09022015). Collection method: clinical testing. Allele origin: germline.
Comment: This sequence change replaces arginine, which is basic and polar, with cysteine, which is neutral and slightly polar, at codon 663 of the MYH7 protein (p.Arg663Cys). This variant is not present in population databases (gnomAD no frequency). This missense change has been observed in individuals with hypertrophic cardiomyopathy (PMID: 15358028, 15563892, 15858117, 18383048, 20800588, 22112859, 23233322, 23283745, 23690394). ClinVar contains an entry for this variant (Variation ID: 42874). Invitae Evidence Modeling of protein sequence and biophysical properties (such as structural, functional, and spatial information, amino acid conservation, physicochemical variation, residue mobility, and thermodynamic stability) indicates that this missense variant is expected to disrupt MYH7 protein function with a positive predictive value of 95%. This variant disrupts the p.Arg663 amino acid residue in MYH7. Other variant(s) that disrupt this residue have been determined to be pathogenic (PMID: 10750581, 11133230). This suggests that this residue is clinically significant, and that variants that disrupt this residue are likely to be disease-causing. For these reasons, this variant has been classified as Pathogenic.

Clinical Genetics Laboratory, Skane University Hospital Lund
Classification: Likely pathogenic for Hypertrophic cardiomyopathy. Last evaluated: 2025-08-25. Review status: criteria provided, single submitter. Criteria: ACMG Guidelines, 2015. Collection method: clinical testing. Allele origin: germline. Affected: yes.
Comment: Classfied according to the ClinGen Cardiomyopathy Expert Panel Specifications to the ACMG/AMP Variant Interpretation Guidelines for MYH7 (Version 2.0.0): PS4, PM1, PM2_supp, PP3.

ARUP Laboratories, Molecular Genetics and Genomics, ARUP Laboratories
Classification: Pathogenic. Last evaluated: 2025-03-12. Review status: criteria provided, single submitter. Criteria: ARUP Molecular Germline Variant Investigation Process 2024. Collection method: clinical testing. Allele origin: germline.
Comment: The MYH7 c.1987C>T; p.Arg663Cys variant (rs397516127, ClinVar Variation ID 42874) is reported in the literature in several individuals of multiple ethnic backgrounds with hypertrophic cardiomyopathy (Gal 2022, Hathaway 2021, Nakashima 2020, Sepp 2022, Song 2005, Valente 2013). This variant is absent from the Genome Aggregation Database (v2.1.1), indicating it is not a common polymorphism. Additionally, other variants at this codon (c.1988G>A, p.Arg663His; c.1987C>A, p.Arg663Ser) have been reported in individuals with hypertrophic cardiomyopathy and are considered pathogenic (Hathaway 2021, Sepp 2022, Song 2005). Computational analyses predict that p.Arg663Cys variant is deleterious (REVEL: 0.82). Based on available information, this variant is considered to be pathogenic. References: Gal DB et al. Comprehensive Genetic Testing for Pediatric Hypertrophic Cardiomyopathy Reveals Clinical Management Opportunities and Syndromic Conditions. Pediatr Cardiol. 2022 Mar. PMID: 34714385. Hathaway J et al. Diagnostic yield of genetic testing in a heterogeneous cohort of 1376 HCM patients. BMC Cardiovasc Disord. 2021 Mar 5. PMID: 33673806. Nakashima Y et al. Lifelong Clinical Impact of the Presence of Sarcomere Gene Mutation in Japanese Patients With Hypertrophic Cardiomyopathy. Circ J. 2020 Sep 25. PMID: 32830170. Sepp R et al. The Genetic Architecture of Hypertrophic Cardiomyopathy in Hungary: Analysis of 242 Patients with a Panel of 98 Genes. Diagnostics (Basel). 2022 May 3. PMID: 35626289. Song L et al. Mutations profile in Chinese patients with hypertrophic cardiomyopathy. Clin Chim Acta. 2005 Jan. PMID: 15563892. Valente AM et al. Comparison of echocardiographic and cardiac magnetic resonance imaging in hypertrophic cardiomyopathy sarcomere mutation carriers without left ventricular hypertrophy. Circ Cardiovasc Genet. 2013 Jun. PMID: 23690394.

Institute of Human Genetics, University of Leipzig Medical Center
Classification: Pathogenic for Hypertrophic cardiomyopathy 1. Last evaluated: 2025-03-04. Review status: criteria provided, single submitter. Criteria: ACMG Guidelines, 2015. Collection method: clinical testing. Allele origin: unknown. Inheritance: Autosomal dominant inheritance. Affected: yes.
Comment: Criteria applied: PS4,PM1,PM5,PM2_SUP,PP3

Blueprint Genetics
Classification: Pathogenic for MYH7-related disorders. Last evaluated: 2024-11-05. Review status: criteria provided, single submitter. Criteria: ACMG Guidelines, 2015. Collection method: clinical testing. Allele origin: germline. Affected: yes. Observed: 5 variant alleles.

Fulgent Genetics
Classification: Pathogenic for MYH7-related skeletal myopathy; Hypertrophic cardiomyopathy 1; Myopathy, myosin storage, autosomal recessive; Myosin storage myopathy; Dilated cardiomyopathy 1S. Last evaluated: 2024-06-10. Review status: criteria provided, single submitter. Criteria: ACMG Guidelines, 2015. Collection method: clinical testing. Allele origin: germline.

Ambry Genetics
Classification: Pathogenic for Cardiovascular phenotype. Last evaluated: 2024-04-11. Review status: criteria provided, single submitter. Criteria: Ambry Variant Classification Scheme 2023. Collection method: clinical testing. Allele origin: germline.
Comment: The p.R663C pathogenic mutation (also known as c.1987C>T), located in coding exon 16 of the MYH7 gene, results from a C to T substitution at nucleotide position 1987. The arginine at codon 663 is replaced by cysteine, an amino acid with highly dissimilar properties. This alteration is located in the myosin head domain, which contains a statistically significant clustering of pathogenic missense variants (Homburger JR et al. Proc Natl Acad Sci U S A, 2016 06;113:6701-6; Walsh R et al. Genet Med, 2017 02;19:192-203; Ambry internal data). This alteration has been reported in numerous individuals with hypertrophic cardiomyopathy (HCM) from various ethnic groups (Van Driest SL et al, J. Am. Coll. Cardiol. 2004 Aug; 44(3):602-10; Yu B et al, J. Clin. Pathol. 2005 May; 58(5):479-85; Wang S et al, Clin Cardiol 2008 Mar; 31(3):114-8; Kassem HSh et al, J Cardiovasc Transl Res 2013 Feb; 6(1):65-80; Zhao Y et al. Int. J. Mol. Med., 2016 Jun;37:1511-20; Walsh R et al. Genet. Med., 2017 Feb;19:192-203; J&auml;&auml;skel&auml;inen P et al. ESC Heart Fail, 2019 Apr;6:436-445). Other variants at the same codon, p.R663H (c.1988G>A) and p.R663S (c.1987C>A), have been detected in individuals with HCM (Gruver EJ et al, Am. J. Cardiol. 1999 Jun; 83(12A):13H-18H; Richard P et al, Circulation 2003 May; 107(17):2227-32). This amino acid position is highly conserved in available vertebrate species. In addition, this alteration is predicted to be deleterious by in silico analysis. Based on the supporting evidence, this alteration is interpreted as a disease-causing mutation.

NM_000257.4(MYH7):c.1987C>T (p.Arg663Cys)

Gene: MYH7 (myosin heavy chain 7; minus strand). Cytogenetic location: 14q11.2.
Variant type: single nucleotide variant.
Coding change: c.1987C>T on transcript NM_000257.4 (MANE Select); coding-DNA position 1987, C replaced by T.
Protein change: p.Arg663Cys; replaces arginine 663 with cysteine.
Molecular consequence: missense variant.
Genome position (GRCh38, 1-based): chr14:23,426,834, G>A on the plus strand (C>T on the coding strand, the complement: MYH7 is on the minus strand). VCF-style: chr14-23426834-G-A. GRCh37 (hg19) VCF-style: chr14-23896043-G-A.
Other names: p.R663C:CGC>TGC; short protein forms R663C.
Identifiers: ClinVar variation 42874 (VCV000042874.87), dbSNP rs397516127, ClinGen allele CA011543.